The following is an entry in ClinVar:

ClinVar aggregate classification (germline): Likely benign. Review status: criteria provided, multiple submitters, no conflicts (2 of 4 stars). 3 submissions from 3 submitters: Likely benign (3). Last evaluated 2025-12-05.

Conditions:
Charcot-Marie-Tooth disease axonal type 2O. Also called: Charcot-Marie-Tooth disease, axonal, type 20; CHARCOT-MARIE-TOOTH NEUROPATHY, AXONAL, TYPE 2O; CHARCOT-MARIE-TOOTH DISEASE, AXONAL, AUTOSOMAL DOMINANT, TYPE 2O; Charcot-Marie-Tooth Neuropathy Type 2O. Identifiers: Orphanet 284232, MedGen C3280220, MONDO:0013644, OMIM 614228.

Allele frequency attached by ClinVar (database versions not stated): ExAC 0.00001; gnomAD exomes 0.00001 and 0.00004; gnomAD 0.00004 and 0.00005; TOPMed 0.00004; 1000 Genomes Project 30x 0.00016; 1000 Genomes Project 0.00020.
gnomAD v4.1: 29 of 1,614,034 alleles (0.0018%); highest among the groups gnomAD compares: East Asian, 0.029%; no homozygotes.

Submissions (4):

Mayo Clinic Laboratories, Mayo Clinic
Classification: Likely benign. Last evaluated: 2025-12-05. Review status: criteria provided, single submitter. Criteria: ACMG Guidelines, 2015. Collection method: clinical testing. Allele origin: germline. Observed: 1 variant allele.
Comment: BP4, BP7

Labcorp Genetics (formerly Invitae), Labcorp
Classification: Likely benign for Charcot-Marie-Tooth disease axonal type 2O. Last evaluated: 2025-03-26. Review status: criteria provided, single submitter. Criteria: Invitae Variant Classification Sherloc (09022015). Collection method: clinical testing. Allele origin: germline.

GeneDx
Classification: Likely benign. Last evaluated: 2017-01-24. Review status: criteria provided, single submitter. Criteria: GeneDx Variant Classification (06012015). Collection method: clinical testing. Allele origin: germline. Affected: yes.
Comment: This variant is considered likely benign or benign based on one or more of the following criteria: it is a conservative change, it occurs at a poorly conserved position in the protein, it is predicted to be benign by multiple in silico algorithms, and/or has population frequency not consistent with disease.

Dr. Peter K. Rogan Lab, Western University
No classification provided (evidence only). Condition: Melanoma. Review status: no classification provided. Collection method: in vitro. Allele origin: not applicable. Functional consequence: retained intron. Not counted in ClinVar's aggregate classification.

NM_001376.5(DYNC1H1):c.12270G>A (p.Ser4090=)

Gene: DYNC1H1 (dynein cytoplasmic 1 heavy chain 1; plus strand). Cytogenetic location: 14q32.31.
Variant type: single nucleotide variant.
Coding change: c.12270G>A on transcript NM_001376.5 (MANE Select); coding-DNA position 12270, G replaced by A.
Protein change: p.Ser4090=; no amino-acid change (serine 4090 retained).
Molecular consequence: synonymous variant.
Genome position (GRCh38, 1-based): chr14:102,042,283, G>A. VCF-style: chr14-102042283-G-A. GRCh37 (hg19) VCF-style: chr14-102508620-G-A.
Other names: p.Ser4090=.
Identifiers: ClinVar variation 514344 (VCV000514344.11), dbSNP rs549895432, ClinGen allele CA7353876.